The following is an entry in ClinVar:

ClinVar aggregate classification (germline): Conflicting classifications of pathogenicity. Review status: criteria provided, conflicting classifications (1 of 4 stars). 3 submissions from 3 submitters: Uncertain significance (2); Likely benign (1). Last evaluated 2024-07-31.

Conditions:
Hereditary cancer-predisposing syndrome. Also called: Hereditary Cancer Syndrome; Hereditary neoplastic syndrome; Neoplastic Syndromes, Hereditary; Tumor predisposition. Identifiers: Orphanet 140162, MedGen C0027672, MeSH D009386, MONDO:0015356.
Hereditary breast ovarian cancer syndrome. Also called: Hereditary breast and ovarian cancer; BRCA1- and BRCA2-Associated Hereditary Breast and Ovarian Cancer; Hereditary breast and ovarian cancer syndrome (HBOC); Hereditary breast and ovarian cancer syndrome; Breast and ovarian cancer; Hereditary breast and/or ovarian cancer syndrome. Identifiers: Orphanet 145, MedGen C0677776, MeSH D061325, MONDO:0003582. Disease mechanism: loss of function.

Submissions (3):

Ambry Genetics
Classification: Uncertain significance for Hereditary cancer-predisposing syndrome. Last evaluated: 2024-07-31. Review status: criteria provided, single submitter. Criteria: Ambry Variant Classification Scheme 2023. Collection method: clinical testing. Allele origin: germline.
Comment: The p.P311S variant (also known as c.931C>T), located in coding exon 9 of the BRCA1 gene, results from a C to T substitution at nucleotide position 931. The proline at codon 311 is replaced by serine, an amino acid with similar properties. This amino acid position is conserved. In addition, the in silico prediction for this alteration is inconclusive. Since supporting evidence is limited at this time, the clinical significance of this alteration remains unclear.

Labcorp Genetics (formerly Invitae), Labcorp
Classification: Uncertain significance for Hereditary breast ovarian cancer syndrome. Last evaluated: 2024-01-02. Review status: criteria provided, single submitter. Criteria: Invitae Variant Classification Sherloc (09022015). Collection method: clinical testing. Allele origin: germline.
Comment: This sequence change replaces proline, which is neutral and non-polar, with serine, which is neutral and polar, at codon 311 of the BRCA1 protein (p.Pro311Ser). This variant is not present in population databases (gnomAD no frequency). This variant has not been reported in the literature in individuals affected with BRCA1-related conditions. ClinVar contains an entry for this variant (Variation ID: 1766562). Advanced modeling of protein sequence and biophysical properties (such as structural, functional, and spatial information, amino acid conservation, physicochemical variation, residue mobility, and thermodynamic stability) performed at Invitae indicates that this missense variant is not expected to disrupt BRCA1 protein function with a negative predictive value of 95%. In summary, the available evidence is currently insufficient to determine the role of this variant in disease. Therefore, it has been classified as a Variant of Uncertain Significance.

University of Washington Department of Laboratory Medicine, University of Washington
Classification: Likely benign for Hereditary cancer-predisposing syndrome. Last evaluated: 2023-03-23. Review status: criteria provided, single submitter. Criteria: Dines et al. (Genet Med. 2020). Collection method: curation. Allele origin: germline.
Comment: Missense variant in a coldspot region where missense variants are very unlikely to be pathogenic (PMID:31911673).

BRCA1 coldspot (exon 11 using historical exon numbering). Reclassification based on statistical prior probability

NM_007294.4(BRCA1):c.931C>T (p.Pro311Ser)

Gene: BRCA1 (BRCA1 DNA repair associated; minus strand). Cytogenetic location: 17q21.31.
Variant type: single nucleotide variant.
Coding change: c.931C>T on transcript NM_007294.4 (MANE Select); coding-DNA position 931, C replaced by T.
Protein change: p.Pro311Ser; replaces proline 311 with serine.
Molecular consequence: missense variant. On other transcripts: intron variant (137).
Genome position (GRCh38, 1-based): chr17:43,094,600, G>A on the plus strand (C>T on the coding strand, the complement: BRCA1 is on the minus strand). VCF-style: chr17-43094600-G-A. GRCh37 (hg19) VCF-style: chr17-41246617-G-A.
Other names: c.643+144C>T (NM_001408468.1, NM_001408470.1, NM_001408464.1 and 3 more transcripts); c.523+144C>T (NM_001408501.1, NM_001408500.1, NM_001408498.1 and 3 more transcripts); c.646+144C>T (NM_001408455.1, NM_001408466.1, NM_001408458.1 and 11 more transcripts); c.520+144C>T (NM_001408503.1, NM_001408505.1, NM_001408504.1); c.577+144C>T (NM_001408513.1, NM_001408481.1, NM_001408480.1 and 9 more transcripts); c.790C>T, p.Pro264Ser (NM_001407725.1, NM_001407726.1, NM_001407727.1 and 29 more transcripts); c.787C>T, p.Pro263Ser (NM_001407740.1, NM_001407741.1, NM_001407742.1 and 20 more transcripts); c.718C>T, p.Pro240Ser (NM_001407853.1, NM_001407894.1, NM_001407895.1 and 9 more transcripts); and 40 more; short protein forms P243S, P285S, P143S, P183S, P199S, P200S, P222S, P240S.
Identifiers: ClinVar variation 1766562 (VCV001766562.8), dbSNP rs2154484620, ClinGen allele CA10600204.